The following is an entry in ClinVar:

NM_002755.4(MAP2K1):c.828G>A (p.Gly276=)

Gene: MAP2K1 (mitogen-activated protein kinase kinase 1; plus strand). Cytogenetic location: 15q22.31.
Variant type: single nucleotide variant.
Coding change: c.828G>A on transcript NM_002755.4 (MANE Select); coding-DNA position 828, G replaced by A.
Protein change: p.Gly276=; no amino-acid change (glycine 276 retained).
Molecular consequence: synonymous variant.
Genome position (GRCh38, 1-based): chr15:66,485,124, G>A. VCF-style: chr15-66485124-G-A. GRCh37 (hg19) VCF-style: chr15-66777462-G-A.
Other names: c.684G>A, p.Gly228= (NM_001411065.1).
Identifiers: ClinVar variation 2909239 (VCV002909239.5), dbSNP rs939296496, ClinGen allele CA271674130.

ClinVar aggregate classification (germline): Likely benign. Review status: criteria provided, single submitter (1 of 4 stars). 2 submissions from 2 submitters: Likely benign (1). 1 of the submissions does not count toward it. Last evaluated 2024-01-07.

Conditions:
MAP2K1-related disorder. Also called: MAP2K1-related condition; MAP2K1-related disorders.
RASopathy. Also called: Noonan spectrum disorder; rasopathies. Identifiers: Orphanet 536391, MedGen C5555857, MONDO:0021060.

Allele frequency attached by ClinVar (database versions not stated): TOPMed below 0.00001.

Submissions (2):

Labcorp Genetics (formerly Invitae), Labcorp
Classification: Likely benign for RASopathy. Last evaluated: 2024-01-07. Review status: criteria provided, single submitter. Criteria: Invitae Variant Classification Sherloc (09022015). Collection method: clinical testing. Allele origin: germline.

PreventionGenetics, part of Exact Sciences
Classification: Likely benign for MAP2K1-related condition. Last evaluated: 2020-09-09. Review status: no assertion criteria provided. Collection method: clinical testing. Allele origin: germline. Not counted in ClinVar's aggregate classification.
Comment: This variant is classified as likely benign based on ACMG/AMP sequence variant interpretation guidelines (Richards et al. 2015 PMID: 25741868, with internal and published modifications).